The following is an entry in ClinVar:

ClinVar aggregate classification (germline): Uncertain significance. Review status: criteria provided, multiple submitters, no conflicts (2 of 4 stars). 3 submissions from 3 submitters: Uncertain significance (3). Last evaluated 2025-12-20.

Conditions:
Brugada syndrome 4 (BRGDA4). Identifiers: Orphanet 130, MedGen C2678477, MONDO:0012743, OMIM 611876.
Cardiovascular phenotype. Identifiers: MedGen CN230736.

Allele frequency attached by ClinVar (database versions not stated): gnomAD exomes 0.00001.

Submissions (3):

Labcorp Genetics (formerly Invitae), Labcorp
Classification: Uncertain significance for Brugada syndrome 4. Last evaluated: 2025-12-20. Review status: criteria provided, single submitter. Criteria: Invitae Variant Classification Sherloc (09022015). Collection method: clinical testing. Allele origin: germline.
Comment: This sequence change replaces methionine, which is neutral and non-polar, with threonine, which is neutral and polar, at codon 369 of the CACNB2 protein (p.Met369Thr). This variant is not present in population databases (gnomAD no frequency). This variant has not been reported in the literature in individuals affected with CACNB2-related conditions. ClinVar contains an entry for this variant (Variation ID: 806446). Invitae Evidence Modeling of protein sequence and biophysical properties (such as structural, functional, and spatial information, amino acid conservation, physicochemical variation, residue mobility, and thermodynamic stability) indicates that this missense variant is not expected to disrupt CACNB2 protein function with a negative predictive value of 80%. In summary, the available evidence is currently insufficient to determine the role of this variant in disease. Therefore, it has been classified as a Variant of Uncertain Significance.

Ambry Genetics
Classification: Uncertain significance for Cardiovascular phenotype. Last evaluated: 2024-11-13. Review status: criteria provided, single submitter. Criteria: Ambry Variant Classification Scheme 2023. Collection method: clinical testing. Allele origin: germline.
Comment: The p.M369T variant (also known as c.1106T>C), located in coding exon 11 of the CACNB2 gene, results from a T to C substitution at nucleotide position 1106. The methionine at codon 369 is replaced by threonine, an amino acid with similar properties. This amino acid position is conserved. In addition, this alteration is predicted to be deleterious by in silico analysis. Based on the available evidence, the clinical significance of this variant remains unclear.

AiLife Diagnostics
Classification: Uncertain significance. Last evaluated: 2021-12-27. Review status: criteria provided, single submitter. Criteria: ACMG Guidelines, 2015. Collection method: clinical testing. Allele origin: germline. Affected: yes. Observed: 1 variant allele.

NM_201596.3(CACNB2):c.1268T>C (p.Met423Thr)

Gene: CACNB2 (calcium voltage-gated channel auxiliary subunit beta 2; plus strand). Cytogenetic location: 10p12.31.
Variant type: single nucleotide variant.
Coding change: c.1268T>C on transcript NM_201596.3 (MANE Select); coding-DNA position 1268, T replaced by C.
Protein change: p.Met423Thr; replaces methionine 423 with threonine.
Molecular consequence: missense variant.
Genome position (GRCh38, 1-based): chr10:18,536,162, T>C. VCF-style: chr10-18536162-T-C. GRCh37 (hg19) VCF-style: chr10-18825091-T-C.
Other names: c.1106T>C (NM_201590.2); c.1103T>C, p.Met368Thr (NM_000724.4); c.1070T>C, p.Met357Thr (NM_001167945.2); c.989T>C, p.Met330Thr (NM_001330060.2); c.1124T>C, p.Met375Thr (NM_201570.3); c.1184T>C, p.Met395Thr (NM_201571.4); c.1112T>C, p.Met371Thr (NM_201572.4); c.1106T>C, p.Met369Thr (NM_201590.3); and 2 more; short protein forms M369T, M371T, M385T, M395T, M399T, M423T, M330T, M357T.
Identifiers: ClinVar variation 806446 (VCV000806446.15), dbSNP rs1589754703, ClinGen allele CA376068959.